The following is an entry in ClinVar:

ClinVar aggregate classification (germline): Benign/Likely benign. Review status: criteria provided, multiple submitters, no conflicts (2 of 4 stars). 6 submissions from 6 submitters: Benign (1); Likely benign (5). Last evaluated 2025-02-21.

Conditions:
Hereditary cancer-predisposing syndrome. Also called: Tumor predisposition; Hereditary Cancer Syndrome; Hereditary neoplastic syndrome; Neoplastic Syndromes, Hereditary. Identifiers: Orphanet 140162, MedGen C0027672, MeSH D009386, MONDO:0015356.
Breast-ovarian cancer, familial, susceptibility to, 4. Identifiers: Orphanet 145, MedGen C3280345, MONDO:0013669, OMIM 614291.

Allele frequency attached by ClinVar (database versions not stated): gnomAD exomes below 0.00001 and 0.00001; gnomAD 0.00001; ExAC 0.00002.
gnomAD v4.1: 7 of 1,562,612 alleles (0.00045%); highest among the groups gnomAD compares: South Asian, 0.0067%; no homozygotes.

Submissions (6):

Myriad Genetics, Inc.
Classification: Benign for Breast-ovarian cancer, familial, susceptibility to, 4. Last evaluated: 2025-02-21. Review status: criteria provided, single submitter. Criteria: Myriad Autosomal Dominant, Autosomal Recessive and X-Linked Classification Criteria (2023). Collection method: clinical testing. Allele origin: unknown.
Comment: This variant is considered benign. This variant is a silent/synonymous amino acid change and it is not expected to impact splicing.

Labcorp Genetics (formerly Invitae), Labcorp
Classification: Likely benign for Breast-ovarian cancer, familial, susceptibility to, 4. Last evaluated: 2024-10-09. Review status: criteria provided, single submitter. Criteria: Invitae Variant Classification Sherloc (09022015). Collection method: clinical testing. Allele origin: germline.

Blueprint Genetics
Classification: Likely benign. Last evaluated: 2024-06-06. Review status: criteria provided, single submitter. Criteria: ACMG Guidelines, 2015. Collection method: clinical testing. Allele origin: germline.

Ambry Genetics
Classification: Likely benign for Hereditary cancer-predisposing syndrome. Last evaluated: 2020-09-29. Review status: criteria provided, single submitter. Criteria: Ambry Variant Classification Scheme 2023. Collection method: clinical testing. Allele origin: germline.

Color Diagnostics, LLC DBA Color Health
Classification: Likely benign for Hereditary cancer-predisposing syndrome. Last evaluated: 2018-01-22. Review status: criteria provided, single submitter. Criteria: ACMG Guidelines, 2015. Collection method: clinical testing. Allele origin: germline.

GeneDx
Classification: Likely benign. Last evaluated: 2017-11-30. Review status: criteria provided, single submitter. Criteria: GeneDx Variant Classification (06012015). Collection method: clinical testing. Allele origin: germline. Affected: yes.
Comment: This variant is considered likely benign or benign based on one or more of the following criteria: it is a conservative change, it occurs at a poorly conserved position in the protein, it is predicted to be benign by multiple in silico algorithms, and/or has population frequency not consistent with disease.

NM_002878.4(RAD51D):c.324C>T (p.Gly108=)

Genes: RAD51D (RAD51 paralog D; minus strand), RAD51L3-RFFL (RAD51L3-RFFL readthrough; minus strand). Cytogenetic location: 17q12.
Variant type: single nucleotide variant.
Coding change: c.324C>T on transcript NM_002878.4 (MANE Select); coding-DNA position 324, C replaced by T.
Protein change: p.Gly108=; no amino-acid change (glycine 108 retained).
Molecular consequence: synonymous variant. On other transcripts: non-coding transcript variant (2), intron variant (1).
Genome position (GRCh38, 1-based): chr17:35,107,387, G>A on the plus strand (C>T on the coding strand, the complement: RAD51D is on the minus strand). VCF-style: chr17-35107387-G-A. GRCh37 (hg19) VCF-style: chr17-33434406-G-A.
Other names: c.384C>T, p.Gly128= (NM_001142571.2); c.145-906C>T (NM_133629.3).
Identifiers: ClinVar variation 416202 (VCV000416202.18), dbSNP rs758132417, ClinGen allele CA8499515.